The following is an entry in ClinVar:

ClinVar aggregate classification (germline): Uncertain significance (1 of 4 stars; one submission).

Submission:

Labcorp Genetics (formerly Invitae), Labcorp
Classification: Uncertain significance. Last evaluated: 2022-08-21. Review status: criteria provided, single submitter. Criteria: Invitae Variant Classification Sherloc (09022015). Collection method: clinical testing. Allele origin: germline.
Comment: This variant is not present in population databases (gnomAD no frequency). In summary, the available evidence is currently insufficient to determine the role of this variant in disease. Therefore, it has been classified as a Variant of Uncertain Significance. Algorithms developed to predict the effect of missense changes on protein structure and function are either unavailable or do not agree on the potential impact of this missense change (SIFT: "Tolerated"; PolyPhen-2: "Probably Damaging"; Align-GVGD: "Class C0"). This variant has not been reported in the literature in individuals affected with ADGRE2-related conditions. This sequence change replaces serine, which is neutral and polar, with cysteine, which is neutral and slightly polar, at codon 547 of the ADGRE2 protein (p.Ser547Cys).

NM_013447.4(ADGRE2):c.1640C>G (p.Ser547Cys)

Gene: ADGRE2 (adhesion G protein-coupled receptor E2; minus strand). Cytogenetic location: 19p13.12.
Variant type: single nucleotide variant.
Coding change: c.1640C>G on transcript NM_013447.4 (MANE Select); coding-DNA position 1640, C replaced by G.
Protein change: p.Ser547Cys; replaces serine 547 with cysteine.
Molecular consequence: missense variant.
Genome position (GRCh38, 1-based): chr19:14,752,477, G>C on the plus strand (C>G on the coding strand, the complement: ADGRE2 is on the minus strand). VCF-style: chr19-14752477-G-C. GRCh37 (hg19) VCF-style: chr19-14863289-G-C.
Other names: c.1466C>G, p.Ser489Cys (NM_001271052.1); c.1493C>G, p.Ser498Cys (NM_152916.2); c.1361C>G, p.Ser454Cys (NM_152917.2); short protein forms S547C, S454C, S489C, S498C.
Identifiers: ClinVar variation 2025433 (VCV002025433.4), dbSNP rs771056442, ClinGen allele CA404453490.